The following is an entry in ClinVar:

ClinVar aggregate classification (germline): Benign. Review status: criteria provided, multiple submitters, no conflicts (2 of 4 stars). 4 submissions from 4 submitters: Benign (4). Last evaluated 2026-01-25.

Allele frequency attached by ClinVar (database versions not stated): gnomAD exomes 0.00202 and 0.00687; ESP Exome Variant Server 0.02264; gnomAD 0.02309 and 0.02469; TOPMed 0.02524; 1000 Genomes Project 0.02556; 1000 Genomes Project 30x 0.02717; ExAC 0.04733.
gnomAD v4.1: 5,875 of 1,283,212 alleles (0.46%); highest among the groups gnomAD compares: African/African-American, 7.9%; 238 homozygotes.

Submissions (4):

Labcorp Genetics (formerly Invitae), Labcorp
Classification: Benign. Last evaluated: 2026-01-25. Review status: criteria provided, single submitter. Criteria: Invitae Variant Classification Sherloc (09022015). Collection method: clinical testing. Allele origin: germline.

GeneDx
Classification: Benign. Last evaluated: 2017-10-05. Review status: criteria provided, single submitter. Criteria: GeneDx Variant Classification (06012015). Collection method: clinical testing. Allele origin: germline. Affected: yes.
Comment: This variant is considered likely benign or benign based on one or more of the following criteria: it is a conservative change, it occurs at a poorly conserved position in the protein, it is predicted to be benign by multiple in silico algorithms, and/or has population frequency not consistent with disease.

Laboratory for Molecular Medicine, Mass General Brigham Personalized Medicine
Classification: Benign. Last evaluated: 2014-11-24. Review status: criteria provided, single submitter. Criteria: LMM Criteria. Collection method: clinical testing. Allele origin: germline. Observed: 2 variant alleles.
Comment: Ala3Ala in exon 1 of P2RX2: This variant is not expected to have clinical signif icance because it does not alter an amino acid residue and is not located within the splice consensus sequence. It has been identified in 6.6% (223/3356) of Afr ican American chromosomes from a broad population by the NHLBI Exome Sequencing Project (dbSNP rs186684886).

Breakthrough Genomics
Classification: Benign. Review status: criteria provided, single submitter. Criteria: ACMG Guidelines, 2015. Collection method: not provided. Allele origin: germline. Inheritance: Autosomal dominant inheritance. Affected: yes.

NM_170682.4(P2RX2):c.9C>T (p.Ala3=)

Gene: P2RX2 (purinergic receptor P2X 2; plus strand). Cytogenetic location: 12q24.33.
Variant type: single nucleotide variant.
Coding change: c.9C>T on transcript NM_170682.4 (MANE Select); coding-DNA position 9, C replaced by T.
Protein change: p.Ala3=; no amino-acid change (alanine 3 retained).
Molecular consequence: synonymous variant.
Genome position (GRCh38, 1-based): chr12:132,618,825, C>T. VCF-style: chr12-132618825-C-T. GRCh37 (hg19) VCF-style: chr12-133195411-C-T.
Other names: c.9C>T, p.Ala3= (NM_001282164.2, NM_001282165.2, NM_012226.5 and 4 more transcripts).
Identifiers: ClinVar variation 226991 (VCV000226991.14), dbSNP rs186684886, ClinGen allele CA6891299.